The following is an entry in ClinVar:

ClinVar aggregate classification (germline): Pathogenic (1 of 4 stars; one submission).

Conditions:
Marfan syndrome (MFS). Also called: FBN1-Related Marfan Syndrome; MARFAN SYNDROME, TYPE I; Marfan syndrome type 1; Marfan's syndrome; Marfan syndrome, classic. Identifiers: Orphanet 284963, Orphanet 558, MedGen C0024796, MONDO:0007947, OMIM 154700.
Familial thoracic aortic aneurysm and aortic dissection (TAAD). Also called: Thoracic aortic aneurysms and dissections. Identifiers: Orphanet 91387, MedGen C4707243, MONDO:0019625.

Submission:

Labcorp Genetics (formerly Invitae), Labcorp
Classification: Pathogenic for Marfan syndrome; Familial thoracic aortic aneurysm and aortic dissection. Last evaluated: 2025-10-23. Review status: criteria provided, single submitter. Criteria: Invitae Variant Classification Sherloc (09022015). Collection method: clinical testing. Allele origin: germline.
Comment: This sequence change creates a premature translational stop signal (p.Gly1329*) in the FBN1 gene. It is expected to result in an absent or disrupted protein product. Loss-of-function variants in FBN1 are known to be pathogenic (PMID: 17657824, 19293843). This variant is not present in population databases (gnomAD no frequency). This variant has not been reported in the literature in individuals affected with FBN1-related conditions. For these reasons, this variant has been classified as Pathogenic.

Literature cited by the submitters: PubMed 17657824; PubMed 19293843.

NM_000138.5(FBN1):c.3985G>T (p.Gly1329Ter)

Gene: FBN1 (fibrillin 1; minus strand). Cytogenetic location: 15q21.1.
Variant type: single nucleotide variant.
Coding change: c.3985G>T on transcript NM_000138.5 (MANE Select); coding-DNA position 3985, G replaced by T.
Protein change: p.Gly1329Ter; replaces glycine 1329 with a stop codon.
Molecular consequence: nonsense.
Genome position (GRCh38, 1-based): chr15:48,474,630, C>A on the plus strand (G>T on the coding strand, the complement: FBN1 is on the minus strand). VCF-style: chr15-48474630-C-A. GRCh37 (hg19) VCF-style: chr15-48766827-C-A.
Other names: c.3985G>T, p.Gly1329Ter (NM_001406716.1); short protein forms G1329*.
Identifiers: ClinVar variation 4786510 (VCV004786510.1).